The following is an entry in ClinVar:

NM_001083962.2(TCF4):c.922+15T>C

Genes: TCF4 (transcription factor 4; minus strand), LOC126862757 (CDK7 strongly-dependent group 2 enhancer GRCh37_chr18:52936433-52937632; plus strand). Cytogenetic location: 18q21.2.
Variant type: single nucleotide variant.
Coding change: c.922+15T>C on transcript NM_001083962.2 (MANE Select); 15 bases into the intron after coding-DNA position 922, T replaced by C.
Molecular consequence: intron variant.
Genome position (GRCh38, 1-based): chr18:55,269,816, A>G on the plus strand (T>C on the coding strand, the complement: TCF4 is on the minus strand). VCF-style: chr18-55269816-A-G. GRCh37 (hg19) VCF-style: chr18-52937047-A-G.
Other names: c.1228+15T>C (NM_001243226.3); c.847+15T>C (NM_001369584.1, NM_001369576.1, NM_001369585.1 and 3 more transcripts); c.850+15T>C (NM_001369577.1, NM_001369582.1, NM_001243227.2 and 9 more transcripts); c.922+15T>C (NM_001369571.1, NM_001369567.1, NM_001369572.1 and 4 more transcripts); c.940+15T>C (NM_001243228.2); c.916+15T>C (NM_001243230.2); c.919+15T>C (NM_001369569.1, NM_001369573.1, NM_001369570.1); c.796+15T>C (NM_001243231.2, NM_001348211.2); and 4 more.
Identifiers: ClinVar variation 507121 (VCV000507121.6), dbSNP rs550736172, ClinGen allele CA8970370.
Genomic context (GRCh38, chr18:55,269,816, plus strand): 5'-AGGGAAAAAGAGGTCCTTGATGATTAAACTCTGACACCAATTGTTGGTATCAGAATTGGC[A>G]TTTCTGTGACTCACCCATTATACTGTCTGTCCCGTTGGCAGGAGGCGTACAGGAAGAGGT-3'

ClinVar aggregate classification (germline): Likely benign. Review status: criteria provided, multiple submitters, no conflicts (2 of 4 stars). 2 submissions from 2 submitters: Likely benign (2). Last evaluated 2022-10-17.

Conditions:
Pitt-Hopkins syndrome (PTHS). Also called: ENCEPHALOPATHY, SEVERE EPILEPTIC, WITH AUTONOMIC DYSFUNCTION; MENTAL RETARDATION, SYNDROMAL, WITH INTERMITTENT HYPERVENTILATION. Identifiers: Orphanet 2896, MedGen C1970431, MONDO:0012589, OMIM 610954.

Allele frequency attached by ClinVar (database versions not stated): 1000 Genomes Project 30x 0.00016; 1000 Genomes Project 0.00020; TOPMed below 0.00001; gnomAD 0.00001; gnomAD exomes 0.00001; ExAC 0.00002.
gnomAD v4.1: 4 of 1,612,878 alleles (0.00025%); highest among the groups gnomAD compares: Admixed American, 0.005%; no homozygotes.

Submissions (2):

Labcorp Genetics (formerly Invitae), Labcorp
Classification: Likely benign for Pitt-Hopkins syndrome. Last evaluated: 2022-10-17. Review status: criteria provided, single submitter. Criteria: Invitae Variant Classification Sherloc (09022015). Collection method: clinical testing. Allele origin: germline.

GeneDx
Classification: Likely benign. Last evaluated: 2017-01-31. Review status: criteria provided, single submitter. Criteria: GeneDx Variant Classification (06012015). Collection method: clinical testing. Allele origin: germline. Affected: yes.
Comment: This variant is considered likely benign or benign based on one or more of the following criteria: it is a conservative change, it occurs at a poorly conserved position in the protein, it is predicted to be benign by multiple in silico algorithms, and/or has population frequency not consistent with disease.